The following is an entry in ClinVar:

ClinVar aggregate classification (germline): Uncertain significance (1 of 4 stars; one submission).

Conditions:
Inborn genetic diseases. Identifiers: MedGen C0950123, MeSH D030342.

gnomAD v4.1: 8 of 1,613,116 alleles (0.0005%); highest among the groups gnomAD compares: Middle Eastern, 0.017%; no homozygotes.

Submission:

Ambry Genetics
Classification: Uncertain significance for Inborn genetic diseases. Last evaluated: 2026-01-21. Review status: criteria provided, single submitter. Criteria: Ambry Variant Classification Scheme 2023. Collection method: clinical testing. Allele origin: germline.
Comment: The c.892C>T (p.R298C) alteration is located in exon 8 (coding exon 8) of the GABRD gene. This alteration results from a C to T substitution at nucleotide position 892, causing the arginine (R) at amino acid position 298 to be replaced by a cysteine (C). Based on data from gnomAD, the T allele has an overall frequency of <0.001% (1/249822) total alleles studied. The highest observed frequency was 0.003% (1/34558) of Latino alleles. Based on insufficient or conflicting evidence, the clinical significance of this alteration remains unclear.

NM_000815.5(GABRD):c.892C>T (p.Arg298Cys)

Gene: GABRD (gamma-aminobutyric acid type A receptor subunit delta; plus strand). Cytogenetic location: 1p36.33.
Variant type: single nucleotide variant.
Coding change: c.892C>T on transcript NM_000815.5 (MANE Select); coding-DNA position 892, C replaced by T.
Protein change: p.Arg298Cys; replaces arginine 298 with cysteine.
Molecular consequence: missense variant.
Genome position (GRCh38, 1-based): chr1:2,029,595, C>T. VCF-style: chr1-2029595-C-T. GRCh37 (hg19) VCF-style: chr1-1961034-C-T.
Other names: short protein forms R298C.
Identifiers: ClinVar variation 4839553 (VCV004839553.1).